The following is an entry in ClinVar:

ClinVar aggregate classification (germline): Uncertain significance (1 of 4 stars; one submission).

Submission:

Labcorp Genetics (formerly Invitae), Labcorp
Classification: Uncertain significance. Last evaluated: 2018-01-30. Review status: criteria provided, single submitter. Criteria: Invitae Variant Classification Sherloc (09022015). Collection method: clinical testing. Allele origin: germline.
Comment: This sequence change replaces glutamine with arginine at codon 279 of the TUBB3 protein (p.Gln279Arg). The glutamine residue is highly conserved and there is a small physicochemical difference between glutamine and arginine. This variant is not present in population databases (ExAC no frequency). This variant has not been reported in the literature in individuals with TUBB3-related disease. Algorithms developed to predict the effect of missense changes on protein structure and function do not agree on the potential impact of this missense change (SIFT: "Deleterious"; PolyPhen-2: "Benign"; Align-GVGD: "Class C35"). In summary, the available evidence is currently insufficient to determine the role of this variant in disease. Therefore, it has been classified as a Variant of Uncertain Significance.

NM_006086.4(TUBB3):c.836A>G (p.Gln279Arg)

Gene: TUBB3 (tubulin beta 3 class III; plus strand). Cytogenetic location: 16q24.3.
Variant type: single nucleotide variant.
Coding change: c.836A>G on transcript NM_006086.4 (MANE Select); coding-DNA position 836, A replaced by G.
Protein change: p.Gln279Arg; replaces glutamine 279 with arginine.
Molecular consequence: missense variant.
Genome position (GRCh38, 1-based): chr16:89,935,287, A>G. VCF-style: chr16-89935287-A-G. GRCh37 (hg19) VCF-style: chr16-90001695-A-G.
Other names: c.620A>G, p.Gln207Arg (NM_001197181.2); short protein forms Q207R, Q279R.
Identifiers: ClinVar variation 1000035 (VCV001000035.8), dbSNP rs2030416493, ClinGen allele CA397475499.